The following is an entry in ClinVar:

ClinVar aggregate classification (germline): Likely benign. Review status: criteria provided, multiple submitters, no conflicts (2 of 4 stars). 2 submissions from 2 submitters: Likely benign (2). Last evaluated 2025-05-06.

gnomAD v4.1: 4 of 1,614,206 alleles (0.00025%); highest among the groups gnomAD compares: Non-Finnish European, 0.00034%; no homozygotes.

Submissions (2):

Athena Diagnostics
Classification: Likely benign. Last evaluated: 2025-05-06. Review status: criteria provided, single submitter. Criteria: Athena Diagnostics Criteria. Collection method: clinical testing. Allele origin: unknown.
Comment: Computational tools yielded predictions that this variant is unlikely to have an effect on normal RNA splicing. This nucleotide position exhibits low evolutionary conservation.

Blueprint Genetics
Classification: Likely benign. Last evaluated: 2022-10-24. Review status: criteria provided, single submitter. Criteria: ACMG Guidelines, 2015. Collection method: clinical testing. Allele origin: germline.

NM_015443.4(KANSL1):c.1191A>G (p.Ala397=)

Gene: KANSL1 (KAT8 regulatory NSL complex subunit 1). Cytogenetic location: 17q21.31.
Variant type: single nucleotide variant.
Coding change: c.1191A>G on transcript NM_015443.4 (MANE Select); coding-DNA position 1191, A replaced by G.
Protein change: p.Ala397=; no amino-acid change (alanine 397 retained).
Molecular consequence: synonymous variant. On other transcripts: intron variant (4).
Genome position (GRCh38, 1-based): chr17:46,170,953, T>C on the plus strand (A>G on the coding strand, the complement: KANSL1 is on the minus strand). VCF-style: chr17-46170953-T-C. GRCh37 (hg19) VCF-style: chr17-44248319-T-C.
Other names: c.1191A>G, p.Ala397= (NM_001193465.2, NM_001193466.2, NM_001379198.1 and 18 more transcripts); c.23+52718A>G (NM_001405885.1, NM_001405884.1, NM_001405883.1 and 1 more transcripts).
Identifiers: ClinVar variation 4682402 (VCV004682402.2).
Genomic context (GRCh38, chr17:46,170,953, plus strand): 5'-TTCTTCCTCTTCAATATCAGACTCCCCTCCTGAACTACTGTCAGTGACATCTGAATCAAA[T>C]GCCTGTTCACTGCACCTCAAGTTGGCTATGCCACTAGCTGTAAATCTCTCCAATTCTTCT-3'
Protein context (NP_056258.1, residues 387-407): GIANLRCSEQ[Ala397=]FDSDVTDSSS